The following is an entry in ClinVar:

NM_001540.5(HSPB1):c.321C>A (p.Asp107Glu)

Gene: HSPB1 (heat shock protein family B (small) member 1; plus strand). Cytogenetic location: 7q11.23.
Variant type: single nucleotide variant.
Coding change: c.321C>A on transcript NM_001540.5 (MANE Select); coding-DNA position 321, C replaced by A.
Protein change: p.Asp107Glu; replaces aspartic acid 107 with glutamic acid.
Molecular consequence: missense variant.
Genome position (GRCh38, 1-based): chr7:76,303,033, C>A. VCF-style: chr7-76303033-C-A. GRCh37 (hg19) VCF-style: chr7-75932350-C-A.
Other names: c.321C>A (NM_001540.3); short protein forms D107E.
Identifiers: ClinVar variation 1450156 (VCV001450156.9), dbSNP rs1433396777, ClinGen allele CA367763504.

ClinVar aggregate classification (germline): Conflicting classifications of pathogenicity. Review status: criteria provided, conflicting classifications (1 of 4 stars). 2 submissions from 2 submitters: Uncertain significance (1); Likely benign (1). Last evaluated 2024-08-06.

Conditions:
Charcot-Marie-Tooth disease axonal type 2F (CMT2F). Also called: CHARCOT-MARIE-TOOTH DISEASE, NEURONAL, TYPE 2F; Charcot-Marie-Tooth Neuropathy Type 2F. Identifiers: Orphanet 99940, MedGen C1847823, MONDO:0011687, OMIM 606595.
Inborn genetic diseases. Identifiers: MedGen C0950123, MeSH D030342.

Allele frequency attached by ClinVar (database versions not stated): gnomAD exomes 0.00002.

Submissions (2):

Labcorp Genetics (formerly Invitae), Labcorp
Classification: Uncertain significance for Charcot-Marie-Tooth disease axonal type 2F. Last evaluated: 2024-08-06. Review status: criteria provided, single submitter. Criteria: Invitae Variant Classification Sherloc (09022015). Collection method: clinical testing. Allele origin: germline.
Comment: This sequence change replaces aspartic acid, which is acidic and polar, with glutamic acid, which is acidic and polar, at codon 107 of the HSPB1 protein (p.Asp107Glu). The frequency data for this variant in the population databases is considered unreliable, as metrics indicate poor data quality at this position in the gnomAD database. This variant has not been reported in the literature in individuals affected with HSPB1-related conditions. ClinVar contains an entry for this variant (Variation ID: 1450156). An algorithm developed to predict the effect of missense changes on protein structure and function outputs the following: PolyPhen-2: "Benign". The glutamic acid amino acid residue is found in multiple mammalian species, which suggests that this missense change does not adversely affect protein function. In summary, the available evidence is currently insufficient to determine the role of this variant in disease. Therefore, it has been classified as a Variant of Uncertain Significance.

Ambry Genetics
Classification: Likely benign for Inborn genetic diseases. Last evaluated: 2022-10-06. Review status: criteria provided, single submitter. Criteria: Ambry Variant Classification Scheme 2023. Collection method: clinical testing. Allele origin: germline.